The following is an entry in ClinVar:

NM_000551.4(VHL):c.54A>C (p.Ala18=)

Gene: VHL (von Hippel-Lindau tumor suppressor; plus strand). Cytogenetic location: 3p25.3.
Variant type: single nucleotide variant.
Coding change: c.54A>C on transcript NM_000551.4 (MANE Select); coding-DNA position 54, A replaced by C.
Protein change: p.Ala18=; no amino-acid change (alanine 18 retained).
Molecular consequence: synonymous variant.
Genome position (GRCh38, 1-based): chr3:10,141,901, A>C. VCF-style: chr3-10141901-A-C. GRCh37 (hg19) VCF-style: chr3-10183585-A-C.
Other names: c.54A>C, p.Ala18= (NM_001354723.2, NM_198156.3).
Identifiers: ClinVar variation 486712 (VCV000486712.18), dbSNP rs1305687580, ClinGen allele CA432536195.
Genomic context (GRCh38, chr3:10,141,901, plus strand): 5'-GGAGGGAATGCCCCGGAGGGCGGAGAACTGGGACGAGGCCGAGGTAGGCGCGGAGGAGGC[A>C]GGCGTCGAAGAGTACGGCCCTGAAGAAGACGGCGGGGAGGAGTCGGGCGCCGAGGAGTCC-3'
Protein context (NP_000542.1, residues 8-28): WDEAEVGAEE[Ala18=]GVEEYGPEED

ClinVar aggregate classification (germline): Benign/Likely benign. Review status: criteria provided, multiple submitters, no conflicts (2 of 4 stars). 4 submissions from 4 submitters: Benign (1); Likely benign (2). 1 of the submissions does not count toward it. Last evaluated 2025-11-04.

Conditions:
VHL-related disorder. Also called: VHL-related condition.
Chuvash polycythemia. Also called: POLYCYTHEMIA, VHL-DEPENDENT. Identifiers: Orphanet 238557, MedGen C1837915, MONDO:0009892, OMIM 263400.
Von Hippel-Lindau syndrome (VHLS). Also called: VHL syndrome; Von Hippel-Lindau; von Hippel–Lindau syndrome. Identifiers: Orphanet 892, MedGen C0019562, MONDO:0008667, OMIM 193300. Disease mechanism: loss of function.
Hereditary cancer-predisposing syndrome. Also called: Tumor predisposition; Neoplastic Syndromes, Hereditary; Hereditary Cancer Syndrome; Hereditary neoplastic syndrome. Identifiers: Orphanet 140162, MedGen C0027672, MeSH D009386, MONDO:0015356.

Allele frequency attached by ClinVar (database versions not stated): gnomAD 0.00003; TOPMed 0.00003.

Submissions (4):

Labcorp Genetics (formerly Invitae), Labcorp
Classification: Likely benign for Von Hippel-Lindau syndrome; Chuvash polycythemia. Last evaluated: 2025-11-04. Review status: criteria provided, single submitter. Criteria: Invitae Variant Classification Sherloc (09022015). Collection method: clinical testing. Allele origin: germline.

Myriad Genetics, Inc.
Classification: Benign for Von Hippel-Lindau syndrome. Last evaluated: 2025-06-10. Review status: criteria provided, single submitter. Criteria: Myriad Autosomal Dominant, Autosomal Recessive and X-Linked Classification Criteria (2023). Collection method: clinical testing. Allele origin: unknown.
Comment: This variant is considered benign. This variant is a silent/synonymous amino acid change and it is not expected to impact splicing.

Ambry Genetics
Classification: Likely benign for Hereditary cancer-predisposing syndrome. Last evaluated: 2016-11-11. Review status: criteria provided, single submitter. Criteria: Ambry Variant Classification Scheme 2023. Collection method: clinical testing. Allele origin: germline.

PreventionGenetics, part of Exact Sciences
Classification: Likely benign for VHL-related condition. Last evaluated: 2024-03-27. Review status: no assertion criteria provided. Collection method: clinical testing. Allele origin: germline. Not counted in ClinVar's aggregate classification.
Comment: This variant is classified as likely benign based on ACMG/AMP sequence variant interpretation guidelines (Richards et al. 2015 PMID: 25741868, with internal and published modifications).